The following is an entry in ClinVar:

NM_002471.4(MYH6):c.3142A>G (p.Met1048Val)

Gene: MYH6 (myosin heavy chain 6; minus strand). Cytogenetic location: 14q11.2.
Variant type: single nucleotide variant.
Coding change: c.3142A>G on transcript NM_002471.4 (MANE Select); coding-DNA position 3142, A replaced by G.
Protein change: p.Met1048Val; replaces methionine 1048 with valine.
Molecular consequence: missense variant.
Genome position (GRCh38, 1-based): chr14:23,393,021, T>C on the plus strand (A>G on the coding strand, the complement: MYH6 is on the minus strand). VCF-style: chr14-23393021-T-C. GRCh37 (hg19) VCF-style: chr14-23862230-T-C.
Other names: short protein forms M1048V.
Identifiers: ClinVar variation 861164 (VCV000861164.26), dbSNP rs1184334975, ClinGen allele CA389009636.

ClinVar aggregate classification (germline): Uncertain significance. Review status: criteria provided, multiple submitters, no conflicts (2 of 4 stars). 4 submissions from 4 submitters: Uncertain significance (4). Last evaluated 2025-10-15.

Conditions:
Hypertrophic cardiomyopathy 14. Identifiers: MedGen C2750467, MONDO:0013197, OMIM 613251.
MYH6-related disorder. Also called: MYH6-Related Disorders; MYH6-related condition.
Cardiovascular phenotype. Identifiers: MedGen CN230736.

Allele frequency attached by ClinVar (database versions not stated): TOPMed 0.00002; gnomAD 0.00003; gnomAD exomes below 0.00001.

Submissions (4):

PreventionGenetics, part of Exact Sciences
Classification: Uncertain significance for MYH6-related condition. Last evaluated: 2025-10-15. Review status: criteria provided, single submitter. Criteria: ACMG Guidelines, 2015. Collection method: clinical testing. Allele origin: germline.
Comment: The MYH6 c.3142A>G variant is predicted to result in the amino acid substitution p.Met1048Val. To our knowledge, this variant has not been reported in the literature. This variant is reported in 0.0015% of alleles in individuals of European (Non-Finnish) descent in gnomAD. At this time, the clinical significance of this variant is uncertain due to the absence of conclusive functional and genetic evidence.

Labcorp Genetics (formerly Invitae), Labcorp
Classification: Uncertain significance for Hypertrophic cardiomyopathy 14. Last evaluated: 2025-07-30. Review status: criteria provided, single submitter. Criteria: Invitae Variant Classification Sherloc (09022015). Collection method: clinical testing. Allele origin: germline.
Comment: This sequence change replaces methionine, which is neutral and non-polar, with valine, which is neutral and non-polar, at codon 1048 of the MYH6 protein (p.Met1048Val). This variant is present in population databases (no rsID available, gnomAD 0.002%). This variant has not been reported in the literature in individuals affected with MYH6-related conditions. ClinVar contains an entry for this variant (Variation ID: 861164). Invitae Evidence Modeling of protein sequence and biophysical properties (such as structural, functional, and spatial information, amino acid conservation, physicochemical variation, residue mobility, and thermodynamic stability) indicates that this missense variant is not expected to disrupt MYH6 protein function with a negative predictive value of 80%. In summary, the available evidence is currently insufficient to determine the role of this variant in disease. Therefore, it has been classified as a Variant of Uncertain Significance.

Ambry Genetics
Classification: Uncertain significance for Cardiovascular phenotype. Last evaluated: 2025-06-22. Review status: criteria provided, single submitter. Criteria: Ambry Variant Classification Scheme 2023. Collection method: clinical testing. Allele origin: germline.
Comment: The p.M1048V variant (also known as c.3142A>G), located in coding exon 22 of the MYH6 gene, results from an A to G substitution at nucleotide position 3142. The methionine at codon 1048 is replaced by valine, an amino acid with highly similar properties. This amino acid position is highly conserved in available vertebrate species. In addition, the in silico prediction for this alteration is inconclusive. Since supporting evidence is limited at this time, the clinical significance of this alteration remains unclear.

CeGaT Center for Human Genetics Tuebingen
Classification: Uncertain significance. Last evaluated: 2024-12-01. Review status: criteria provided, single submitter. Criteria: CeGaT Center For Human Genetics Tuebingen Variant Classification Criteria Version 2. Collection method: clinical testing. Allele origin: germline. Affected: yes. Observed: 1 variant allele.
Comment: MYH6: PP3